The following is an entry in ClinVar:

NM_001372051.1(CASP8):c.697C>T (p.Arg233Trp)

Gene: CASP8 (caspase 8; plus strand). Cytogenetic location: 2q33.1.
Variant type: single nucleotide variant.
Coding change: c.697C>T on transcript NM_001372051.1 (MANE Select); coding-DNA position 697, C replaced by T.
Protein change: p.Arg233Trp; replaces arginine 233 with tryptophan.
Molecular consequence: missense variant. On other transcripts: non-coding transcript variant (21), intron variant (4).
Genome position (GRCh38, 1-based): chr2:201,276,863, C>T. VCF-style: chr2-201276863-C-T. GRCh37 (hg19) VCF-style: chr2-202141586-C-T.
Other names: c.652C>T, p.Arg218Trp (NM_001080124.2, NM_001400658.1, NM_001400659.1 and 5 more transcripts); c.874C>T, p.Arg292Trp (NM_001080125.2); c.748C>T, p.Arg250Trp (NM_001228.5); c.829C>T, p.Arg277Trp (NM_001400642.1); c.730C>T, p.Arg244Trp (NM_001400645.1); c.697C>T, p.Arg233Trp (NM_001400648.1, NM_001400651.1, NM_001400653.1 and 6 more transcripts); c.628C>T, p.Arg210Trp (NM_001400664.1); c.388C>T, p.Arg130Trp (NM_001400669.1); and 7 more; short protein forms R233W, R250W, R218W, R292W, R130W, R19W, R210W, R244W.
Identifiers: ClinVar variation 1435155 (VCV001435155.8), dbSNP rs760898260, ClinGen allele CA2053647.

ClinVar aggregate classification (germline): Uncertain significance. Review status: criteria provided, multiple submitters, no conflicts (2 of 4 stars). 2 submissions from 2 submitters: Uncertain significance (2). Last evaluated 2023-05-18.

Conditions:
Inborn genetic diseases. Identifiers: MedGen C0950123, MeSH D030342.
Autoimmune lymphoproliferative syndrome type 2B. Also called: AUTOIMMUNE LYMPHOPROLIFERATIVE SYNDROME, TYPE IIB. Identifiers: Orphanet 275517, MedGen C1846545, MONDO:0011804, OMIM 607271.

Allele frequency attached by ClinVar (database versions not stated): gnomAD exomes below 0.00001 and 0.00001; ExAC 0.00001; gnomAD 0.00001; TOPMed 0.00001.
gnomAD v4.1: 12 of 1,613,842 alleles (0.00074%); highest among the groups gnomAD compares: African/African-American, 0.0027%; no homozygotes.

Submissions (2):

Ambry Genetics
Classification: Uncertain significance for Inborn genetic diseases. Last evaluated: 2023-05-18. Review status: criteria provided, single submitter. Criteria: Ambry Variant Classification Scheme 2023. Collection method: clinical testing. Allele origin: germline.

Labcorp Genetics (formerly Invitae), Labcorp
Classification: Uncertain significance for Autoimmune lymphoproliferative syndrome type 2B. Last evaluated: 2022-02-09. Review status: criteria provided, single submitter. Criteria: Invitae Variant Classification Sherloc (09022015). Collection method: clinical testing. Allele origin: germline.
Comment: In summary, the available evidence is currently insufficient to determine the role of this variant in disease. Therefore, it has been classified as a Variant of Uncertain Significance. Algorithms developed to predict the effect of missense changes on protein structure and function are either unavailable or do not agree on the potential impact of this missense change (SIFT: "Deleterious"; PolyPhen-2: "Probably Damaging"; Align-GVGD: "Class C0"). This variant has not been reported in the literature in individuals affected with CASP8-related conditions. This variant is present in population databases (rs760898260, gnomAD 0.007%). This sequence change replaces arginine, which is basic and polar, with tryptophan, which is neutral and slightly polar, at codon 250 of the CASP8 protein (p.Arg250Trp).